The following is an entry in ClinVar:

ClinVar aggregate classification (germline): Uncertain significance (1 of 4 stars; one submission).

Allele frequency attached by ClinVar (database versions not stated): gnomAD 0.00001; ExAC 0.00002.
gnomAD v4.1: 9 of 1,613,994 alleles (0.00056%); highest among the groups gnomAD compares: Non-Finnish European, 0.00076%; no homozygotes.

Submission:

Labcorp Genetics (formerly Invitae), Labcorp
Classification: Uncertain significance. Last evaluated: 2022-12-15. Review status: criteria provided, single submitter. Criteria: Invitae Variant Classification Sherloc (09022015). Collection method: clinical testing. Allele origin: germline.
Comment: This variant has not been reported in the literature in individuals affected with A2ML1-related conditions. This variant is present in population databases (rs754573937, gnomAD 0.002%). This sequence change replaces serine, which is neutral and polar, with threonine, which is neutral and polar, at codon 655 of the A2ML1 protein (p.Ser655Thr). Algorithms developed to predict the effect of missense changes on protein structure and function are either unavailable or do not agree on the potential impact of this missense change (SIFT: "Deleterious"; PolyPhen-2: "Benign"; Align-GVGD: "Class C0"). In summary, the available evidence is currently insufficient to determine the role of this variant in disease. Therefore, it has been classified as a Variant of Uncertain Significance.

NM_144670.6(A2ML1):c.1964G>C (p.Ser655Thr)

Gene: A2ML1 (alpha-2-macroglobulin like 1; plus strand). Cytogenetic location: 12p13.31.
Variant type: single nucleotide variant.
Coding change: c.1964G>C on transcript NM_144670.6 (MANE Select); coding-DNA position 1964, G replaced by C.
Protein change: p.Ser655Thr; replaces serine 655 with threonine.
Molecular consequence: missense variant.
Genome position (GRCh38, 1-based): chr12:8,848,850, G>C. VCF-style: chr12-8848850-G-C. GRCh37 (hg19) VCF-style: chr12-9001446-G-C.
Other names: c.491G>C, p.Ser164Thr (NM_001282424.3); short protein forms S164T, S655T.
Identifiers: ClinVar variation 2177663 (VCV002177663.4), dbSNP rs754573937, ClinGen allele CA6435852.